The following is an entry in ClinVar:

ClinVar aggregate classification (germline): Pathogenic (1 of 4 stars; one submission).

Conditions:
Neurofibromatosis, type 1 (NF1). Also called: Peripheral type neurofibromatosis; VON RECKLINGHAUSEN DISEASE; NEUROFIBROMATOSIS, TYPE I, SOMATIC; Neurofibromatosis, type I. Identifiers: Orphanet 636, MedGen C0027831, MONDO:0018975, OMIM 162200. Disease mechanism: loss of function.

Submission:

Labcorp Genetics (formerly Invitae), Labcorp
Classification: Pathogenic for Neurofibromatosis, type 1. Last evaluated: 2023-08-16. Review status: criteria provided, single submitter. Criteria: Invitae Variant Classification Sherloc (09022015). Collection method: clinical testing. Allele origin: germline.
Comment: For these reasons, this variant has been classified as Pathogenic. Algorithms developed to predict the effect of sequence changes on RNA splicing suggest that this variant may disrupt the consensus splice site. ClinVar contains an entry for this variant (Variation ID: 1435710). This variant has not been reported in the literature in individuals affected with NF1-related conditions. This variant is not present in population databases (gnomAD no frequency). This sequence change creates a premature translational stop signal (p.Ala804Leufs*17) in the NF1 gene. It is expected to result in an absent or disrupted protein product. Loss-of-function variants in NF1 are known to be pathogenic (PMID: 10712197, 23913538).

Literature cited by the submitters: PubMed 10712197; PubMed 23913538.

NC_000017.11:g.31229025del

Gene: NF1 (neurofibromin 1; plus strand). Cytogenetic location: 17q11.2.
Variant type: Deletion.
Genome position: GRCh38 VCF-style: chr17-31229023-AG-A. GRCh37 (hg19) VCF-style: chr17-29556041-AG-A.
Identifiers: ClinVar variation 1435710 (VCV001435710.6), dbSNP rs2151428776, ClinGen allele CA2573153285.